The following is an entry in ClinVar:

NM_001303052.2(MYT1L):c.1353G>A (p.Lys451=)

Gene: MYT1L (myelin transcription factor 1 like; minus strand). Cytogenetic location: 2p25.3.
Variant type: single nucleotide variant.
Coding change: c.1353G>A on transcript NM_001303052.2 (MANE Select); coding-DNA position 1353, G replaced by A.
Protein change: p.Lys451=; no amino-acid change (lysine 451 retained).
Molecular consequence: synonymous variant.
Genome position (GRCh38, 1-based): chr2:1,922,416, C>T on the plus strand (G>A on the coding strand, the complement: MYT1L is on the minus strand). VCF-style: chr2-1922416-C-T. GRCh37 (hg19) VCF-style: chr2-1926188-C-T.
Other names: c.1353G>A, p.Lys451= (NM_001329844.2, NM_001329845.1, NM_001329846.3 and 6 more transcripts).
Identifiers: ClinVar variation 3349578 (VCV003349578.2).
Genomic context (GRCh38, chr2:1,922,416, plus strand): 5'-TCTCGGAGACTGGTCCTCATATGACCTCATATTGTCCCTCCTCCCAGCTTCCATGGCCAT[C>T]TTCTCCCTCATGGCCTTTGCTCTTTCCGTTTCCAAAGCGATGGCTTTCTCCAGCAGGGTC-3'
Protein context (NP_001289981.1, residues 441-461): ETERAKAMRE[Lys451=]MAMEAGRRDN

ClinVar aggregate classification (germline): Likely benign. Review status: criteria provided, single submitter (1 of 4 stars). 2 submissions from 2 submitters: Likely benign (1). 1 of the submissions does not count toward it. Last evaluated 2026-08-01.

Conditions:
MYT1L-related disorder. Also called: MYT1L-related condition.

gnomAD v4.1: 1 of 1,612,112 alleles (0.000062%); highest among the groups gnomAD compares: Non-Finnish European, 0.000085%; no homozygotes.

Submissions (2):

CeGaT Center for Human Genetics Tuebingen
Classification: Likely benign. Last evaluated: 2026-08-01. Review status: criteria provided, single submitter. Criteria: CeGaT Center For Human Genetics Tuebingen Variant Classification Criteria Version 2. Collection method: clinical testing. Allele origin: germline. Affected: yes. Observed: 1 variant allele.
Comment: MYT1L: BP4, BP7

PreventionGenetics, part of Exact Sciences
Classification: Likely benign for MYT1L-related condition. Last evaluated: 2024-03-27. Review status: no assertion criteria provided. Collection method: clinical testing. Allele origin: germline. Not counted in ClinVar's aggregate classification.
Comment: This variant is classified as likely benign based on ACMG/AMP sequence variant interpretation guidelines (Richards et al. 2015 PMID: 25741868, with internal and published modifications).